The following is an entry in ClinVar:

NM_001171155.2(PET100):c.82G>A (p.Glu28Lys)

Genes: PET100 (PET100 cytochrome c oxidase chaperone; plus strand), STXBP2 (syntaxin binding protein 2; plus strand). Cytogenetic location: 19p13.2.
Variant type: single nucleotide variant.
Coding change: c.82G>A on transcript NM_001171155.2 (MANE Select); coding-DNA position 82, G replaced by A.
Protein change: p.Glu28Lys; replaces glutamic acid 28 with lysine.
Molecular consequence: missense variant. On other transcripts: non-coding transcript variant (1).
Genome position (GRCh38, 1-based): chr19:7,630,627, G>A. VCF-style: chr19-7630627-G-A. GRCh37 (hg19) VCF-style: chr19-7695513-G-A.
Other names: short protein forms E28K.
Identifiers: ClinVar variation 235437 (VCV000235437.41), dbSNP rs4134804, ClinGen allele CA9142840.

ClinVar aggregate classification (germline): Benign/Likely benign. Review status: criteria provided, multiple submitters, no conflicts (2 of 4 stars). 7 submissions from 7 submitters: Benign (3); Likely benign (3). 1 of the submissions does not count toward it. Last evaluated 2026-01-31.

Conditions:
PET100-related disorder. Also called: PET100-related condition.

Allele frequency attached by ClinVar (database versions not stated): ExAC 0.00191; gnomAD 0.00373 and 0.00394; TOPMed 0.00396; ESP Exome Variant Server 0.00438; 1000 Genomes Project 0.00499; 1000 Genomes Project 30x 0.00531.
gnomAD v4.1: 1,170 of 1,537,182 alleles (0.076%); highest among the groups gnomAD compares: African/African-American, 1.3%; 10 homozygotes.

Submissions (7):

Labcorp Genetics (formerly Invitae), Labcorp
Classification: Benign. Last evaluated: 2026-01-31. Review status: criteria provided, single submitter. Criteria: Invitae Variant Classification Sherloc (09022015). Collection method: clinical testing. Allele origin: germline.

Blueprint Genetics
Classification: Likely benign. Last evaluated: 2024-09-11. Review status: criteria provided, single submitter. Criteria: ACMG Guidelines, 2015. Collection method: clinical testing. Allele origin: germline.

CeGaT Center for Human Genetics Tuebingen
Classification: Benign. Last evaluated: 2023-09-01. Review status: criteria provided, single submitter. Criteria: CeGaT Center For Human Genetics Tuebingen Variant Classification Criteria Version 2. Collection method: clinical testing. Allele origin: germline. Affected: yes. Observed: 1 variant allele.
Comment: PET100: BP4, BS1, BS2

GeneDx
Classification: Benign. Last evaluated: 2018-05-08. Review status: criteria provided, single submitter. Criteria: GeneDx Variant Classification (06012015). Collection method: clinical testing. Allele origin: germline. Affected: yes.
Comment: This variant is considered likely benign or benign based on one or more of the following criteria: it is a conservative change, it occurs at a poorly conserved position in the protein, it is predicted to be benign by multiple in silico algorithms, and/or has population frequency not consistent with disease.

Center for Pediatric Genomic Medicine, Children's Mercy Hospital and Clinics
Classification: Likely benign. Last evaluated: 2016-04-25. Review status: criteria provided, single submitter. Criteria: ACMG Guidelines, 2015. Collection method: clinical testing. Allele origin: germline.
ClinVar note: Converted during submission from Likely Benign to Likely benign.

Breakthrough Genomics
Classification: Likely benign. Review status: criteria provided, single submitter. Criteria: ACMG Guidelines, 2015. Collection method: not provided. Allele origin: germline. Inheritance: Autosomal recessive inheritance. Affected: yes.

PreventionGenetics, part of Exact Sciences
Classification: Benign for PET100-related condition. Last evaluated: 2019-07-12. Review status: no assertion criteria provided. Collection method: clinical testing. Allele origin: germline. Not counted in ClinVar's aggregate classification.
Comment: This variant is classified as benign based on ACMG/AMP sequence variant interpretation guidelines (Richards et al. 2015 PMID: 25741868, with internal and published modifications).